The following is an entry in ClinVar:

NM_024675.4(PALB2):c.724T>G (p.Phe242Val)

Gene: PALB2 (partner and localizer of BRCA2; minus strand). Cytogenetic location: 16p12.2.
Variant type: single nucleotide variant.
Coding change: c.724T>G on transcript NM_024675.4 (MANE Select); coding-DNA position 724, T replaced by G.
Protein change: p.Phe242Val; replaces phenylalanine 242 with valine.
Molecular consequence: missense variant.
Genome position (GRCh38, 1-based): chr16:23,635,822, A>C on the plus strand (T>G on the coding strand, the complement: PALB2 is on the minus strand). VCF-style: chr16-23635822-A-C. GRCh37 (hg19) VCF-style: chr16-23647143-A-C.
Other names: short protein forms F242V.
Identifiers: ClinVar variation 461020 (VCV000461020.17), dbSNP rs1555461663, ClinGen allele CA395136285.

ClinVar aggregate classification (germline): Uncertain significance. Review status: criteria provided, multiple submitters, no conflicts (2 of 4 stars). 3 submissions from 3 submitters: Uncertain significance (3). Last evaluated 2026-01-16.

Conditions:
Hereditary cancer-predisposing syndrome. Also called: Neoplastic Syndromes, Hereditary; Hereditary Cancer Syndrome; Hereditary neoplastic syndrome; Tumor predisposition. Identifiers: Orphanet 140162, MedGen C0027672, MeSH D009386, MONDO:0015356.
Familial cancer of breast. Also called: BREAST CANCER, FAMILIAL; Hereditary breast cancer; hereditary breast carcinoma. Identifiers: Orphanet 227535, MedGen C0346153, MONDO:0016419, OMIM 114480. Disease mechanism: loss of function.

Submissions (3):

Labcorp Genetics (formerly Invitae), Labcorp
Classification: Uncertain significance for Familial cancer of breast. Last evaluated: 2026-01-16. Review status: criteria provided, single submitter. Criteria: Invitae Variant Classification Sherloc (09022015). Collection method: clinical testing. Allele origin: germline.
Comment: This sequence change replaces phenylalanine, which is neutral and non-polar, with valine, which is neutral and non-polar, at codon 242 of the PALB2 protein (p.Phe242Val). This variant is not present in population databases (gnomAD no frequency). This missense change has been observed in individual(s) with breast cancer (PMID: 28664506). ClinVar contains an entry for this variant (Variation ID: 461020). An algorithm developed to predict the effect of missense changes on protein structure and function outputs the following: PolyPhen-2: "Benign". The valine amino acid residue is found in multiple mammalian species, which suggests that this missense change does not adversely affect protein function. In summary, the available evidence is currently insufficient to determine the role of this variant in disease. Therefore, it has been classified as a Variant of Uncertain Significance.

Ambry Genetics
Classification: Uncertain significance for Hereditary cancer-predisposing syndrome. Last evaluated: 2023-07-29. Review status: criteria provided, single submitter. Criteria: Ambry Variant Classification Scheme 2023. Collection method: clinical testing. Allele origin: germline.
Comment: The p.F242V variant (also known as c.724T>G), located in coding exon 4 of the PALB2 gene, results from a T to G substitution at nucleotide position 724. The phenylalanine at codon 242 is replaced by valine, an amino acid with highly similar properties. This amino acid position is not well conserved in available vertebrate species. In addition, this alteration is predicted to be tolerated by in silico analysis. Since supporting evidence is limited at this time, the clinical significance of this alteration remains unclear.

Color Diagnostics, LLC DBA Color Health
Classification: Uncertain significance for Hereditary cancer-predisposing syndrome. Last evaluated: 2019-02-04. Review status: criteria provided, single submitter. Criteria: ACMG Guidelines, 2015. Collection method: clinical testing. Allele origin: germline.

Literature cited by the submitters: PubMed 28664506 (cited by Labcorp Genetics (formerly Invitae), Labcorp and Ambry Genetics).